The following is an entry in ClinVar:

NM_020937.4(FANCM):c.4084G>T (p.Asp1362Tyr)

Gene: FANCM (FA complementation group M; plus strand). Cytogenetic location: 14q21.2.
Variant type: single nucleotide variant.
Coding change: c.4084G>T on transcript NM_020937.4 (MANE Select); coding-DNA position 4084, G replaced by T.
Protein change: p.Asp1362Tyr; replaces aspartic acid 1362 with tyrosine.
Molecular consequence: missense variant.
Genome position (GRCh38, 1-based): chr14:45,176,838, G>T. VCF-style: chr14-45176838-G-T. GRCh37 (hg19) VCF-style: chr14-45646041-G-T.
Other names: c.4006G>T, p.Asp1336Tyr (NM_001308133.2); short protein forms D1336Y, D1362Y.
Identifiers: ClinVar variation 2886582 (VCV002886582.4), dbSNP rs199895244, ClinGen allele CA389604238.

ClinVar aggregate classification (germline): Uncertain significance. Review status: criteria provided, multiple submitters, no conflicts (2 of 4 stars). 2 submissions from 2 submitters: Uncertain significance (2). Last evaluated 2024-12-12.

Conditions:
Inborn genetic diseases. Identifiers: MedGen C0950123, MeSH D030342.
Fanconi anemia (FA). Also called: Fanconi's anemia. Identifiers: Orphanet 84, MedGen C0015625, MeSH D005199, MONDO:0019391.

gnomAD v4.1: 1 of 1,607,218 alleles (0.000062%); highest among the groups gnomAD compares: Non-Finnish European, 0.000085%; no homozygotes.

Submissions (2):

Ambry Genetics
Classification: Uncertain significance for Inborn genetic diseases. Last evaluated: 2024-12-12. Review status: criteria provided, single submitter. Criteria: Ambry Variant Classification Scheme 2023. Collection method: clinical testing. Allele origin: germline.
Comment: The p.D1362Y variant (also known as c.4084G>T), located in coding exon 14 of the FANCM gene, results from a G to T substitution at nucleotide position 4084. The aspartic acid at codon 1362 is replaced by tyrosine, an amino acid with highly dissimilar properties. This amino acid position is conserved. In addition, this alteration is predicted to be tolerated by in silico analysis. Based on the available evidence, the clinical significance of this variant remains unclear.

Labcorp Genetics (formerly Invitae), Labcorp
Classification: Uncertain significance for Fanconi anemia. Last evaluated: 2023-06-19. Review status: criteria provided, single submitter. Criteria: Invitae Variant Classification Sherloc (09022015). Collection method: clinical testing. Allele origin: germline.
Comment: In summary, the available evidence is currently insufficient to determine the role of this variant in disease. Therefore, it has been classified as a Variant of Uncertain Significance. An algorithm developed to predict the effect of missense changes on protein structure and function (PolyPhen-2) suggests that this variant is likely to be disruptive. This variant has not been reported in the literature in individuals affected with FANCM-related conditions. This variant is not present in population databases (gnomAD no frequency). This sequence change replaces aspartic acid, which is acidic and polar, with tyrosine, which is neutral and polar, at codon 1362 of the FANCM protein (p.Asp1362Tyr).